The following is an entry in ClinVar:

ClinVar aggregate classification (germline): Conflicting classifications of pathogenicity. Review status: criteria provided, conflicting classifications (1 of 4 stars). 4 submissions from 4 submitters: Uncertain significance (3); Likely benign (1). Last evaluated 2025-11-18.

Conditions:
Autosomal recessive nonsyndromic hearing loss 3. Also called: NEUROSENSORY NONSYNDROMIC RECESSIVE DEAFNESS 3. Identifiers: Orphanet 90636, MedGen C1838263, MONDO:0010860, OMIM 600316.

Allele frequency attached by ClinVar (database versions not stated): gnomAD 0.00004 and 0.00005; TOPMed 0.00004; gnomAD exomes 0.00005 and 0.00006; ExAC 0.00008; ESP Exome Variant Server 0.00008; 1000 Genomes Project 30x 0.00016; 1000 Genomes Project 0.00020.

Submissions (4):

Labcorp Genetics (formerly Invitae), Labcorp
Classification: Likely benign. Last evaluated: 2025-11-18. Review status: criteria provided, single submitter. Criteria: Invitae Variant Classification Sherloc (09022015). Collection method: clinical testing. Allele origin: germline.

GeneDx
Classification: Uncertain significance. Last evaluated: 2023-11-15. Review status: criteria provided, single submitter. Criteria: GeneDx Variant Classification Process June 2021. Collection method: clinical testing. Allele origin: germline. Affected: yes.
Comment: In silico analysis supports that this missense variant has a deleterious effect on protein structure/function; Has not been previously published as pathogenic or benign to our knowledge

Illumina Laboratory Services, Illumina
Classification: Uncertain significance for Autosomal recessive nonsyndromic hearing loss 3. Last evaluated: 2018-01-13. Review status: criteria provided, single submitter. Criteria: ICSL Variant Classification Criteria 13 December 2019. Collection method: clinical testing. Allele origin: germline.

Eurofins Ntd Llc (ga)
Classification: Uncertain significance. Last evaluated: 2015-01-20. Review status: criteria provided, single submitter. Criteria: EGL Classification Definitions 2015. Collection method: clinical testing. Allele origin: germline. Observed: 1 variant allele, 1 heterozygote.

NM_016239.4(MYO15A):c.6623C>T (p.Pro2208Leu)

Gene: MYO15A (myosin XVA; plus strand). Cytogenetic location: 17p11.2.
Variant type: single nucleotide variant.
Coding change: c.6623C>T on transcript NM_016239.4 (MANE Select); coding-DNA position 6623, C replaced by T.
Protein change: p.Pro2208Leu; replaces proline 2208 with leucine.
Molecular consequence: missense variant.
Genome position (GRCh38, 1-based): chr17:18,148,142, C>T. VCF-style: chr17-18148142-C-T. GRCh37 (hg19) VCF-style: chr17-18051456-C-T.
Other names: short protein forms P2208L.
Identifiers: ClinVar variation 196705 (VCV000196705.20), dbSNP rs376939609, ClinGen allele CA243778.